The following is an entry in ClinVar:

ClinVar aggregate classification (germline): Pathogenic (1 of 4 stars; one submission).

Conditions:
Neurofibromatosis, type 1 (NF1). Also called: VON RECKLINGHAUSEN DISEASE; Peripheral type neurofibromatosis; Neurofibromatosis, type I; NEUROFIBROMATOSIS, TYPE I, SOMATIC. Identifiers: Orphanet 636, MedGen C0027831, MONDO:0018975, OMIM 162200. Disease mechanism: loss of function.

Submission:

Labcorp Genetics (formerly Invitae), Labcorp
Classification: Pathogenic for Neurofibromatosis, type 1. Last evaluated: 2025-12-08. Review status: criteria provided, single submitter. Criteria: Invitae Variant Classification Sherloc (09022015). Collection method: clinical testing. Allele origin: germline.
Comment: This sequence change creates a premature translational stop signal (p.Leu552Phefs*4) in the NF1 gene. It is expected to result in an absent or disrupted protein product. Loss-of-function variants in NF1 are known to be pathogenic (PMID: 10712197, 23913538). This variant is not present in population databases (gnomAD no frequency). This variant has not been reported in the literature in individuals affected with NF1-related conditions. ClinVar contains an entry for this variant (Variation ID: 2773050). For these reasons, this variant has been classified as Pathogenic.

Literature cited by the submitters: PubMed 10712197; PubMed 23913538.

NM_001042492.3(NF1):c.1653del (p.Leu552fs)

Gene: NF1 (neurofibromin 1; plus strand). Cytogenetic location: 17q11.2.
Variant type: Deletion.
Coding change: c.1653del on transcript NM_001042492.3 (MANE Select); coding-DNA position 1653, one base deleted (T; older notation c.1653delT).
Protein change: p.Leu552fs; shifts the reading frame from leucine 552.
Molecular consequence: frameshift variant.
Genome position (GRCh38, 1-based): chr17:31,221,861, T deleted; the last of 2 consecutive T bases (chr17:31,221,860-31,221,861); deleting either gives the same sequence. VCF-style (leftmost placement, unchanged base first): chr17-31221859-GT-G. GRCh37 (hg19) VCF-style: chr17-29548877-GT-G.
Other names: c.1653delT, p.Leu552Phefs (NM_000267.4); c.1653del, p.Leu552fs (NM_001128147.3); short protein forms L552fs.
Identifiers: ClinVar variation 2773050 (VCV002773050.3), dbSNP rs2508108160, ClinGen allele CA2697559705.
Genomic context (GRCh38, chr17:31,221,859, plus strand): 5'-AAATGTTTGAGTGAGTCTTCTCTTTGTCTTTCTCTTTTTTAAAAAATTCAGGCTCTGCTG[GT>G]TCTTCATCAGTTAGATAGCATTGATTTGTGGAATCCTGATGCTCCTGTAGAAACATTTTG-3'